The following is an entry in ClinVar:

NM_001128178.3(NPHP1):c.1601G>C (p.Gly534Ala)

Gene: NPHP1 (nephrocystin 1; minus strand). Cytogenetic location: 2q13.
Variant type: single nucleotide variant.
Coding change: c.1601G>C on transcript NM_001128178.3 (MANE Select); coding-DNA position 1601, G replaced by C.
Protein change: p.Gly534Ala; replaces glycine 534 with alanine.
Molecular consequence: missense variant.
Genome position (GRCh38, 1-based): chr2:110,131,720, C>G on the plus strand (G>C on the coding strand, the complement: NPHP1 is on the minus strand). VCF-style: chr2-110131720-C-G. GRCh37 (hg19) VCF-style: chr2-110889297-C-G.
Other names: c.1769G>C, p.Gly590Ala (NM_000272.5); c.1412G>C, p.Gly471Ala (NM_001128179.3); c.1598G>C, p.Gly533Ala (NM_001374256.1); c.1601G>C, p.Gly534Ala (NM_001374257.1); c.1766G>C, p.Gly589Ala (NM_207181.4); short protein forms G589A, G533A, G590A, G471A, G534A.
Identifiers: ClinVar variation 5003079 (VCV005003079.1).

ClinVar aggregate classification (germline): Uncertain significance (1 of 4 stars; one submission).

Conditions:
Senior-Loken syndrome 1 (SLSN1). Also called: JUVENILE NEPHRONOPHTHISIS WITH LEBER AMAUROSIS. Identifiers: Orphanet 3156, MedGen C4551559, MONDO:0009962, OMIM 266900.

Submission:

OLLIN Analises Genomicas, OLLIN
Classification: Uncertain significance for Senior-Loken syndrome 1. Last evaluated: 2026-08-06. Review status: criteria provided, single submitter. Criteria: ACMG Guidelines 2015 PMID 25741868. Collection method: clinical testing. Allele origin: germline. Inheritance: Autosomal recessive inheritance.
Comment: This missense variant, located in exon 17 (of 20), is absent from gnomAD and ClinVar and has not been identified in the literature. In silico analysis predicts that this variant has a tolerated effect. According to the currently available evidence, this variant has been classified as uncertain significance (PM2_P, BP4).